The following is an entry in ClinVar:

ClinVar aggregate classification (germline): Uncertain significance. Review status: criteria provided, multiple submitters, no conflicts (2 of 4 stars). 3 submissions from 3 submitters: Uncertain significance (3). Last evaluated 2025-07-17.

Conditions:
Hereditary cancer-predisposing syndrome. Also called: Neoplastic Syndromes, Hereditary; Tumor predisposition; Hereditary neoplastic syndrome; Hereditary Cancer Syndrome. Identifiers: Orphanet 140162, MedGen C0027672, MeSH D009386, MONDO:0015356.
Gorlin syndrome. Also called: Nevoid Basal Cell Carcinoma Syndrome; Basal cell nevus syndrome. Identifiers: Orphanet 377, MedGen C0004779, MONDO:0007187.
PTCH1-related disorder. Also called: PTCH1-related disorders; PTCH1-related condition.

Allele frequency attached by ClinVar (database versions not stated): gnomAD exomes below 0.00001; TOPMed below 0.00001.

Submissions (3):

Ambry Genetics
Classification: Uncertain significance for Hereditary cancer-predisposing syndrome. Last evaluated: 2025-07-17. Review status: criteria provided, single submitter. Criteria: Ambry Variant Classification Scheme 2023. Collection method: clinical testing. Allele origin: germline.
Comment: The p.H1406D variant (also known as c.4216C>G), located in coding exon 23 of the PTCH1 gene, results from a C to G substitution at nucleotide position 4216. The histidine at codon 1406 is replaced by aspartic acid, an amino acid with similar properties. This amino acid position is conserved. In addition, this alteration is predicted to be tolerated by in silico analysis. Since supporting evidence is limited at this time, the clinical significance of this alteration remains unclear.

PreventionGenetics, part of Exact Sciences
Classification: Uncertain significance for PTCH1-related condition. Last evaluated: 2025-01-17. Review status: criteria provided, single submitter. Criteria: ACMG Guidelines, 2015. Collection method: clinical testing. Allele origin: germline.
Comment: The PTCH1 c.4216C>G variant is predicted to result in the amino acid substitution p.His1406Asp. To our knowledge, this variant has not been reported in the literature or in a large population database (gnomAD), indicating this variant is rare. At this time, the clinical significance of this variant is uncertain due to the absence of conclusive functional and genetic evidence.

Labcorp Genetics (formerly Invitae), Labcorp
Classification: Uncertain significance for Gorlin syndrome. Last evaluated: 2023-08-01. Review status: criteria provided, single submitter. Criteria: Invitae Variant Classification Sherloc (09022015). Collection method: clinical testing. Allele origin: germline.
Comment: In summary, the available evidence is currently insufficient to determine the role of this variant in disease. Therefore, it has been classified as a Variant of Uncertain Significance. Advanced modeling of protein sequence and biophysical properties (such as structural, functional, and spatial information, amino acid conservation, physicochemical variation, residue mobility, and thermodynamic stability) performed at Invitae indicates that this missense variant is not expected to disrupt PTCH1 protein function. ClinVar contains an entry for this variant (Variation ID: 1466942). This variant has not been reported in the literature in individuals affected with PTCH1-related conditions. This variant is not present in population databases (gnomAD no frequency). This sequence change replaces histidine, which is basic and polar, with aspartic acid, which is acidic and polar, at codon 1406 of the PTCH1 protein (p.His1406Asp).

NM_000264.5(PTCH1):c.4216C>G (p.His1406Asp)

Gene: PTCH1 (patched 1; minus strand). Cytogenetic location: 9q22.32.
Variant type: single nucleotide variant.
Coding change: c.4216C>G on transcript NM_000264.5 (MANE Select); coding-DNA position 4216, C replaced by G.
Protein change: p.His1406Asp; replaces histidine 1406 with aspartic acid.
Molecular consequence: missense variant. On other transcripts: non-coding transcript variant (1).
Genome position (GRCh38, 1-based): chr9:95,447,040, G>C on the plus strand (C>G on the coding strand, the complement: PTCH1 is on the minus strand). VCF-style: chr9-95447040-G-C. GRCh37 (hg19) VCF-style: chr9-98209322-G-C.
Other names: c.4018C>G, p.His1340Asp (NM_001083602.3); c.4213C>G, p.His1405Asp (NM_001083603.3); c.3763C>G, p.His1255Asp (NM_001083604.3, NM_001083605.3, NM_001083606.3 and 1 more transcripts); c.4060C>G, p.His1354Asp (NM_001354918.2); c.4216C>G (NM_000264.3); short protein forms H1405D, H1255D, H1406D, H1354D, H1340D.
Identifiers: ClinVar variation 1466942 (VCV001466942.10), dbSNP rs1837973275, ClinGen allele CA374110098.
Genomic context (GRCh38, chr9:95,447,040, plus strand): 5'-TCGAATCCCTCCTCTCACACCGGACGTGGAAAGGCACGTGGGGGTCCTCAAACAGGCCGT[G>C]GTCAGTCTCAGGGTAGCCTGGGCAGAGTCCCCCTCGGGGGTTCCGCCCAGGCCCAGGGAC-3'
Protein context (NP_000255.2, residues 1396-1416): GLCPGYPETD[His1406Asp]GLFEDPHVPF